The following is an entry in ClinVar:

NM_000268.4(NF2):c.327G>C (p.Leu109=)

Gene: NF2 (NF2, moesin-ezrin-radixin like (MERLIN) tumor suppressor; plus strand). Cytogenetic location: 22q12.2.
Variant type: single nucleotide variant.
Coding change: c.327G>C on transcript NM_000268.4 (MANE Select); coding-DNA position 327, G replaced by C.
Protein change: p.Leu109=; no amino-acid change (leucine 109 retained).
Molecular consequence: synonymous variant. On other transcripts: 5 prime UTR variant (1), intron variant (8).
Genome position (GRCh38, 1-based): chr22:29,639,176, G>C. VCF-style: chr22-29639176-G-C. GRCh37 (hg19) VCF-style: chr22-30035165-G-C.
Other names: c.213G>C, p.Leu71= (NM_001407053.1, NM_001407056.1); c.201G>C, p.Leu67= (NM_001407055.1, NM_181828.3); c.327G>C, p.Leu109= (NM_001407057.1, NM_001407059.1, NM_001407060.1 and 5 more transcripts); c.-314G>C (NM_001407065.1); c.96G>C, p.Leu32= (NM_001407067.1); c.240+2300G>C (NM_001407058.1, NM_181829.3, NM_001407054.1 and 1 more transcripts); c.115-3026G>C (NM_001407063.1, NM_181830.3, NM_001407064.1 and 1 more transcripts).
Identifiers: ClinVar variation 3072708 (VCV003072708.1), dbSNP rs2146872176, ClinGen allele CA514191694.

ClinVar aggregate classification (germline): Likely benign (1 of 4 stars; one submission).

Conditions:
Neurofibromatosis, type 2 (SWNV). Also called: BILATERAL ACOUSTIC NEUROFIBROMATOSIS; NF2-Related Schwannomatosis; SCHWANNOMATOSIS, VESTIBULAR. Identifiers: Orphanet 637, MedGen C0027832, MONDO:0007039, OMIM 101000. Disease mechanism: loss of function.

Submission:

All of Us Research Program, National Institutes of Health
Classification: Likely benign for Neurofibromatosis, type 2. Last evaluated: 2023-08-15. Review status: criteria provided, single submitter. Criteria: ACMG Guidelines, 2015. Collection method: clinical testing. Allele origin: germline. Inheritance: Autosomal dominant inheritance. Observed: 1 variant allele, 1 heterozygote.
Comment: This study involves interpretation of variants in research participants for the purpose of population health screening. Participant phenotype was not available at the time of variant classification. Additional details can be found in publication PMID: 35346344, PMCID: PMC8962531